The following is an entry in ClinVar:

ClinVar aggregate classification (germline): Uncertain significance (1 of 4 stars; one submission).

Conditions:
Severe early-onset pulmonary alveolar proteinosis due to MARS deficiency. Also called: PULMONARY ALVEOLAR PROTEINOSIS, REUNION ISLAND; Interstitial lung and liver disease. Identifiers: Orphanet 440427, MedGen C4225400, MONDO:0014206, OMIM 615486.
Charcot-Marie-Tooth disease axonal type 2U. Also called: CHARCOT-MARIE-TOOTH NEUROPATHY, TYPE 2U; CHARCOT-MARIE-TOOTH DISEASE, AXONAL, AUTOSOMAL DOMINANT, TYPE 2U. Identifiers: Orphanet 397735, MedGen C4084821, MONDO:0014566, OMIM 616280.

Allele frequency attached by ClinVar (database versions not stated): ESP Exome Variant Server 0.00008.

Submission:

Labcorp Genetics (formerly Invitae), Labcorp
Classification: Uncertain significance for Charcot-Marie-Tooth disease axonal type 2U; Severe early-onset pulmonary alveolar proteinosis due to MARS deficiency. Last evaluated: 2022-01-11. Review status: criteria provided, single submitter. Criteria: Invitae Variant Classification Sherloc (09022015). Collection method: clinical testing. Allele origin: germline.
Comment: This variant has not been reported in the literature in individuals affected with MARS-related conditions. Algorithms developed to predict the effect of missense changes on protein structure and function (SIFT, PolyPhen-2, Align-GVGD) all suggest that this variant is likely to be tolerated. In summary, the available evidence is currently insufficient to determine the role of this variant in disease. Therefore, it has been classified as a Variant of Uncertain Significance. This variant is not present in population databases (gnomAD no frequency). This sequence change replaces valine, which is neutral and non-polar, with methionine, which is neutral and non-polar, at codon 673 of the MARS protein (p.Val673Met).

NM_004990.4(MARS1):c.2017G>A (p.Val673Met)

Gene: MARS1 (methionyl-tRNA synthetase 1; plus strand). Cytogenetic location: 12q13.3.
Variant type: single nucleotide variant.
Coding change: c.2017G>A on transcript NM_004990.4 (MANE Select); coding-DNA position 2017, G replaced by A.
Protein change: p.Val673Met; replaces valine 673 with methionine.
Molecular consequence: missense variant.
Genome position (GRCh38, 1-based): chr12:57,514,769, G>A. VCF-style: chr12-57514769-G-A. GRCh37 (hg19) VCF-style: chr12-57908552-G-A.
Other names: short protein forms V673M.
Identifiers: ClinVar variation 2078447 (VCV002078447.4), dbSNP rs145672326, ClinGen allele CA237771948.
Genomic context (GRCh38, chr12:57,514,769, plus strand): 5'-TCCCAACCAAGAGCTGGGATGTTTGTGTCTAAGTTCTTTGGGGGCTATGTGCCTGAGATG[G>A]TGCTCACCCCTGATGATCAGCGCCTGCTGGCCCATGTCACCCTGGAGCTCCAGCACTATC-3'
Protein context (NP_004981.2, residues 663-683): KFFGGYVPEM[Val673Met]LTPDDQRLLA